The following is an entry in ClinVar:

ClinVar aggregate classification (germline): Pathogenic (1 of 4 stars; one submission).

Conditions:
X-linked agammaglobulinemia with growth hormone deficiency (IGHD3). Also called: AGAMMAGLOBULINEMIA AND ISOLATED GROWTH HORMONE DEFICIENCY, X-LINKED; FLEISHER SYNDROME; Isolated growth hormone deficiency type 3; Growth hormone deficiency with hypogammaglobulinemia; HYPOGAMMAGLOBULINEMIA AND ISOLATED GROWTH HORMONE DEFICIENCY, X-LINKED; IGHD III. Identifiers: Orphanet 231692, Orphanet 631, MedGen C0472813, MONDO:0010615, OMIM 307200.

Submission:

Labcorp Genetics (formerly Invitae), Labcorp
Classification: Pathogenic for X-linked agammaglobulinemia with growth hormone deficiency. Last evaluated: 2024-04-25. Review status: criteria provided, single submitter. Criteria: Invitae Variant Classification Sherloc (09022015). Collection method: clinical testing. Allele origin: germline.
Comment: This sequence change creates a premature translational stop signal (p.Asn172Glufs*22) in the BTK gene. It is expected to result in an absent or disrupted protein product. Loss-of-function variants in BTK are known to be pathogenic (PMID: 15661032, 16862044, 19419768). This variant is not present in population databases (gnomAD no frequency). This premature translational stop signal has been observed in individual(s) with X-linked agammaglobulinemia (PMID: 15661032). For these reasons, this variant has been classified as Pathogenic.

Literature cited by the submitters: PubMed 15661032; PubMed 16862044; PubMed 19419768.

NM_000061.3(BTK):c.513dup (p.Asn172fs)

Gene: BTK (Bruton tyrosine kinase; minus strand). Cytogenetic location: Xq22.1.
Variant type: Duplication.
Coding change: c.513dup on transcript NM_000061.3 (MANE Select); coding-DNA position 513, one base duplicated (G; older notation c.513dupG).
Protein change: p.Asn172fs; shifts the reading frame from asparagine 172.
Molecular consequence: frameshift variant.
Genome position (GRCh38, 1-based): chrX:101,362,568, C duplicated on the plus strand (G on the coding strand, the reverse complement: BTK is on the minus strand); the first of 2 consecutive C bases (chrX:101,362,568-101,362,569); duplicating either gives the same sequence. VCF-style (leftmost placement, unchanged base first): chrX-101362567-T-TC. GRCh37 (hg19) VCF-style: chrX-100617555-T-TC.
Other names: c.615dup, p.Asn206fs (NM_001287344.2); c.513dup, p.Asn172fs (NM_001287345.2); short protein forms N172fs, N206fs.
Identifiers: ClinVar variation 2737302 (VCV002737302.3), dbSNP rs2520610529, ClinGen allele CA2695234767.